The following is an entry in ClinVar:

ClinVar aggregate classification (germline): Pathogenic (1 of 4 stars; one submission).

Conditions:
Renal tubular acidosis with progressive nerve deafness. Also called: RENAL TUBULAR ACIDOSIS, AUTOSOMAL RECESSIVE, WITH PROGRESSIVE NERVE DEAFNESS; RTA WITH PROGRESSIVE NERVE DEAFNESS; Distal Renal Tubular Acidosis with Progressive Sensorineural Deafness; renal tubular acidosis, distal, 2, with progressive sensorineural hearing loss. Identifiers: MedGen C0403554, MONDO:0009968, OMIM 267300.

Submission:

Myriad Genetics, Inc.
Classification: Pathogenic for Renal tubular acidosis with progressive nerve deafness. Last evaluated: 2024-05-14. Review status: criteria provided, single submitter. Criteria: Myriad Autosomal Dominant, Autosomal Recessive and X-Linked Classification Criteria (2023). Collection method: clinical testing. Allele origin: unknown.
Comment: NM_001692.3(ATP6V1B1):c.295_296ins11(I99Kfs*2) is expected to be pathogenic in the context of distal renal tubular acidosis with deafness, ATP6V1B1-related. This variant is predicted to lead to an abnormal or absent protein product due to the creation of a premature termination codon in ATP6V1B1, a gene where loss-of-function variants are known to be pathogenic. Please note: this variant was assessed in the context of healthy population screening.

NM_001692.4(ATP6V1B1):c.295_296insAATAGACCATT (p.Ile99delinsLysTer)

Gene: ATP6V1B1 (ATPase H+ transporting V1 subunit B1; plus strand). Cytogenetic location: 2p13.3.
Variant type: Insertion.
Coding change: c.295_296insAATAGACCATT on transcript NM_001692.4 (MANE Select); coding-DNA positions 295 to 296, AATAGACCATT inserted.
Protein change: p.Ile99delinsLysTer.
Molecular consequence: nonsense.
Genome position: GRCh38 VCF-style: chr2-70958354-A-AAATAGACCATT. GRCh37 (hg19) VCF-style: chr2-71185484-A-AAATAGACCATT.
Identifiers: ClinVar variation 5010659 (VCV005010659.1).